The following is an entry in ClinVar:

NM_001684.5(ATP2B4):c.2591T>A (p.Ile864Asn)

Gene: ATP2B4 (ATPase plasma membrane Ca2+ transporting 4; plus strand). Cytogenetic location: 1q32.1.
Variant type: single nucleotide variant.
Coding change: c.2591T>A on transcript NM_001684.5 (MANE Select); coding-DNA position 2591, T replaced by A.
Protein change: p.Ile864Asn; replaces isoleucine 864 with asparagine.
Molecular consequence: missense variant.
Genome position (GRCh38, 1-based): chr1:203,720,733, T>A. VCF-style: chr1-203720733-T-A. GRCh37 (hg19) VCF-style: chr1-203689861-T-A.
Other names: c.2591T>A, p.Ile864Asn (NM_001001396.3, NM_001365783.2, NM_001365784.2); short protein forms I864N.
Identifiers: ClinVar variation 2090759 (VCV002090759.4), dbSNP rs2545404291, ClinGen allele CA344319390.

ClinVar aggregate classification (germline): Uncertain significance (1 of 4 stars; one submission).

Submission:

Labcorp Genetics (formerly Invitae), Labcorp
Classification: Uncertain significance. Last evaluated: 2024-12-09. Review status: criteria provided, single submitter. Criteria: Invitae Variant Classification Sherloc (09022015). Collection method: clinical testing. Allele origin: germline.
Comment: This sequence change replaces isoleucine, which is neutral and non-polar, with asparagine, which is neutral and polar, at codon 864 of the ATP2B4 protein (p.Ile864Asn). This variant is not present in population databases (gnomAD no frequency). This variant has not been reported in the literature in individuals affected with ATP2B4-related conditions. ClinVar contains an entry for this variant (Variation ID: 2090759). Invitae Evidence Modeling of protein sequence and biophysical properties (such as structural, functional, and spatial information, amino acid conservation, physicochemical variation, residue mobility, and thermodynamic stability) indicates that this missense variant is not expected to disrupt ATP2B4 protein function with a negative predictive value of 80%. In summary, the available evidence is currently insufficient to determine the role of this variant in disease. Therefore, it has been classified as a Variant of Uncertain Significance.